The following is an entry in ClinVar:

NM_004820.5(CYP7B1):c.1109G>A (p.Arg370His)

Gene: CYP7B1 (cytochrome P450 family 7 subfamily B member 1; minus strand). Cytogenetic location: 8q12.3.
Variant type: single nucleotide variant.
Coding change: c.1109G>A on transcript NM_004820.5 (MANE Select); coding-DNA position 1109, G replaced by A.
Protein change: p.Arg370His; replaces arginine 370 with histidine.
Molecular consequence: missense variant.
Genome position (GRCh38, 1-based): chr8:64,604,806, C>T on the plus strand (G>A on the coding strand, the complement: CYP7B1 is on the minus strand). VCF-style: chr8-64604806-C-T. GRCh37 (hg19) VCF-style: chr8-65517363-C-T.
Other names: c.1109G>A, p.Arg370His (NM_001324112.2); short protein forms R370H.
Identifiers: ClinVar variation 2585107 (VCV002585107.3), dbSNP rs1805253922, ClinGen allele CA371334257.

ClinVar aggregate classification (germline): Conflicting classifications of pathogenicity. Review status: criteria provided, conflicting classifications (1 of 4 stars). 3 submissions from 3 submitters: Likely pathogenic (1); Uncertain significance (2). Last evaluated 2026-03-19.

Conditions:
Spastic paraplegia. Identifiers: MedGen C0037772, HP:0001258.
Congenital bile acid synthesis defect 3. Identifiers: Orphanet 79302, MedGen C3151147, MONDO:0013439, OMIM 613812.

Allele frequency attached by ClinVar (database versions not stated): gnomAD exomes below 0.00001; TOPMed 0.00001.
gnomAD v4.1: 3 of 1,614,052 alleles (0.00019%); highest among the groups gnomAD compares: South Asian, 0.0011%; no homozygotes.

Submissions (3):

Women's Health and Genetics/Laboratory Corporation of America, LabCorp
Classification: Uncertain significance. Last evaluated: 2026-03-19. Review status: criteria provided, single submitter. Criteria: LabCorp Variant Classification Summary - May 2015. Collection method: clinical testing. Allele origin: germline.
Comment: Variant summary: CYP7B1 c.1109G>A (p.Arg370His) results in a non-conservative amino acid change in the encoded protein sequence. Algorithms developed to predict the effect of missense changes on protein structure and function all suggest that this variant is likely to be disruptive. The variant was absent in 251360 control chromosomes. The available data on variant occurrences in the general population are insufficient to allow any conclusion about variant significance. c.1109G>A has been observed in the presumed compound heterozygous state in at least 1 individual(s) affected with Hereditary Spastic Paraplegia, Type 5a (example, Schols_2017). These data do not allow any conclusion about variant significance. To our knowledge, no experimental evidence demonstrating an impact on protein function has been reported. The following publication has been ascertained in the context of this evaluation (PMID: 29126212). ClinVar contains an entry for this variant (Variation ID: 2585107). Based on the evidence outlined above, the variant was classified as uncertain significance.

Labcorp Genetics (formerly Invitae), Labcorp
Classification: Likely pathogenic for Spastic paraplegia. Last evaluated: 2026-01-19. Review status: criteria provided, single submitter. Criteria: Invitae Variant Classification Sherloc (09022015). Collection method: clinical testing. Allele origin: germline.
Comment: This sequence change replaces arginine, which is basic and polar, with histidine, which is basic and polar, at codon 370 of the CYP7B1 protein (p.Arg370His). This variant is not present in population databases (gnomAD no frequency). This missense change has been observed in individual(s) with clinical features of CYP7B1-related conditions (PMID: 29126212). ClinVar contains an entry for this variant (Variation ID: 2585107). Invitae Evidence Modeling of protein sequence and biophysical properties (such as structural, functional, and spatial information, amino acid conservation, physicochemical variation, residue mobility, and thermodynamic stability) indicates that this missense variant is expected to disrupt CYP7B1 protein function with a positive predictive value of 95%. This variant disrupts the p.Arg370 amino acid residue in CYP7B1. Other variant(s) that disrupt this residue have been observed in individuals with CYP7B1-related conditions (PMID: 29980238, 30564185), which suggests that this may be a clinically significant amino acid residue. In summary, the currently available evidence indicates that the variant is pathogenic, but additional data are needed to prove that conclusively. Therefore, this variant has been classified as Likely Pathogenic.

Neuberg Centre For Genomic Medicine, NCGM
Classification: Uncertain significance for Congenital bile acid synthesis defect 3. Review status: criteria provided, single submitter. Criteria: ACMG Guidelines, 2015. Collection method: clinical testing. Allele origin: germline. Inheritance: Autosomal recessive inheritance. Affected: yes.
Comment: The c.1109G>A (p.Arg370His) missense variant in CYP7B1 gene has not been reported previously as a pathogenic variant nor as a benign variant, to our knowledge. The p.Arg370His variant is novel (not in any individuals) in gnomAD Exomes and 1000 Genomes. The amino acid Arg at position 370 is changed to a His changing protein sequence and it might alter its composition and physico-chemical properties. The amino acid change p.Arg370His in CYP7B1 is predicted as conserved by GERP++ and PhyloP across 100 vertebrates. For these reasons, this variant has been classified as Variant of Uncertain Significance (VUS).

Literature cited by the submitters: PubMed 30930780 (cited by Women's Health and Genetics/Laboratory Corporation of America, LabCorp); PubMed 29126212 (cited by Women's Health and Genetics/Laboratory Corporation of America, LabCorp and Labcorp Genetics (formerly Invitae), Labcorp); PubMed 32202070 (cited by Women's Health and Genetics/Laboratory Corporation of America, LabCorp); PubMed 33771085 (cited by Women's Health and Genetics/Laboratory Corporation of America, LabCorp); PubMed 31334109 (cited by Women's Health and Genetics/Laboratory Corporation of America, LabCorp); PubMed 29980238 (cited by Labcorp Genetics (formerly Invitae), Labcorp); PubMed 30564185 (cited by Labcorp Genetics (formerly Invitae), Labcorp).